The following is an entry in ClinVar:

NM_001080449.3(DNA2):c.258-58C>T

Gene: DNA2 (DNA replication helicase/nuclease 2; minus strand). Cytogenetic location: 10q21.3.
Variant type: single nucleotide variant.
Coding change: c.258-58C>T on transcript NM_001080449.3 (MANE Select); 58 bases into the intron before coding-DNA position 258, C replaced by T.
Molecular consequence: intron variant.
Genome position (GRCh38, 1-based): chr10:68,468,364, G>A on the plus strand (C>T on the coding strand, the complement: DNA2 is on the minus strand). VCF-style: chr10-68468364-G-A. GRCh37 (hg19) VCF-style: chr10-70228121-G-A.
Identifiers: ClinVar variation 676736 (VCV000676736.1), dbSNP rs75160789, ClinGen allele CA208187659.

ClinVar aggregate classification (germline): Benign (1 of 4 stars; one submission).

Allele frequency attached by ClinVar (database versions not stated): gnomAD 0.02466 and 0.02639; 1000 Genomes Project 0.02776; 1000 Genomes Project 30x 0.02889; TOPMed 0.02899.
gnomAD v4.1: 6,268 of 1,125,296 alleles (0.56%); highest among the groups gnomAD compares: African/African-American, 8.8%; 245 homozygotes.

Submission:

GeneDx
Classification: Benign. Last evaluated: 2018-06-19. Review status: criteria provided, single submitter. Criteria: GeneDx Variant Classification (06012015). Collection method: clinical testing. Allele origin: germline. Affected: yes.
Comment: This variant is considered likely benign or benign based on one or more of the following criteria: it is a conservative change, it occurs at a poorly conserved position in the protein, it is predicted to be benign by multiple in silico algorithms, and/or has population frequency not consistent with disease.